The following is an entry in ClinVar:

NM_004380.3(CREBBP):c.2776G>A (p.Val926Met)

Gene: CREBBP (CREB binding lysine acetyltransferase; minus strand). Cytogenetic location: 16p13.3.
Variant type: single nucleotide variant.
Coding change: c.2776G>A on transcript NM_004380.3 (MANE Select); coding-DNA position 2776, G replaced by A.
Protein change: p.Val926Met; replaces valine 926 with methionine.
Molecular consequence: missense variant.
Genome position (GRCh38, 1-based): chr16:3,770,674, C>T on the plus strand (G>A on the coding strand, the complement: CREBBP is on the minus strand). VCF-style: chr16-3770674-C-T. GRCh37 (hg19) VCF-style: chr16-3820675-C-T.
Other names: c.2662G>A, p.Val888Met (NM_001079846.1); short protein forms V888M, V926M.
Identifiers: ClinVar variation 3347705 (VCV003347705.1).

ClinVar aggregate classification (germline): Uncertain significance (0 of 4 stars; one submission).

Conditions:
CREBBP-related disorder. Also called: CREBBP-related condition; CREBBP-related disorders.

gnomAD v4.1: 10 of 1,613,978 alleles (0.00062%); highest among the groups gnomAD compares: Non-Finnish European, 0.00085%; no homozygotes.

Submission:

PreventionGenetics, part of Exact Sciences
Classification: Uncertain significance for CREBBP-related condition. Last evaluated: 2024-07-03. Review status: no assertion criteria provided. Collection method: clinical testing. Allele origin: germline.
Comment: The CREBBP c.2776G>A variant is predicted to result in the amino acid substitution p.Val926Met. To our knowledge, this variant has not been reported in the literature. This variant is reported in 0.00088% of alleles in individuals of European (Non-Finnish) descent in gnomAD. At this time, the clinical significance of this variant is uncertain due to the absence of conclusive functional and genetic evidence.